The following is an entry in ClinVar:

ClinVar aggregate classification (germline): Uncertain significance (1 of 4 stars; one submission).

Conditions:
Cardiovascular phenotype. Identifiers: MedGen CN230736.

gnomAD v4.1: 6 of 1,612,788 alleles (0.00037%); highest among the groups gnomAD compares: Non-Finnish European, 0.00034%; no homozygotes.

Submission:

Ambry Genetics
Classification: Uncertain significance for Cardiovascular phenotype. Last evaluated: 2025-09-25. Review status: criteria provided, single submitter. Criteria: Ambry Variant Classification Scheme 2023. Collection method: clinical testing. Allele origin: germline.
Comment: The p.D824G variant (also known as c.2471A>G), located in coding exon 17 of the APOB gene, results from an A to G substitution at nucleotide position 2471. The aspartic acid at codon 824 is replaced by glycine, an amino acid with similar properties. This amino acid position is conserved. In addition, this alteration is predicted to be tolerated by in silico analysis. Based on the available evidence, the clinical significance of this variant remains unclear.

NM_000384.3(APOB):c.2471A>G (p.Asp824Gly)

Gene: APOB (apolipoprotein B; minus strand). Cytogenetic location: 2p24.1.
Variant type: single nucleotide variant.
Coding change: c.2471A>G on transcript NM_000384.3 (MANE Select); coding-DNA position 2471, A replaced by G.
Protein change: p.Asp824Gly; replaces aspartic acid 824 with glycine.
Molecular consequence: missense variant.
Genome position (GRCh38, 1-based): chr2:21,023,658, T>C on the plus strand (A>G on the coding strand, the complement: APOB is on the minus strand). VCF-style: chr2-21023658-T-C. GRCh37 (hg19) VCF-style: chr2-21246530-T-C.
Other names: short protein forms D824G.
Identifiers: ClinVar variation 4613648 (VCV004613648.1).
Genomic context (GRCh38, chr2:21,023,658, plus strand): 5'-AATCCAGCTCCAGTGGGGAGTTCAAAGGCATTCTCCATGAAGATGTAGTGAAGAAAAAAG[T>C]CATTCTTTGAGCCCTTCCTGATGACCTCTCCAATCTGTAGACCCAACAAGGGAGAGCAAA-3'
Protein context (NP_000375.3, residues 814-834): GEVIRKGSKN[Asp824Gly]FFLHYIFMEN